The following is an entry in ClinVar:

NM_001845.6(COL4A1):c.1943del (p.Pro648fs)

Gene: COL4A1 (collagen type IV alpha 1 chain; minus strand). Cytogenetic location: 13q34.
Variant type: Deletion.
Coding change: c.1943del on transcript NM_001845.6 (MANE Select); coding-DNA position 1943, one base deleted (C; older notation c.1943delC).
Protein change: p.Pro648fs; shifts the reading frame from proline 648.
Molecular consequence: frameshift variant.
Genome position (GRCh38, 1-based): chr13:110,183,231, G deleted on the plus strand (C on the coding strand, the reverse complement: COL4A1 is on the minus strand); the first of 6 consecutive G bases (chr13:110,183,231-110,183,236); deleting any one gives the same sequence. VCF-style (leftmost placement, unchanged base first): chr13-110183230-AG-A. GRCh37 (hg19) VCF-style: chr13-110835577-AG-A.
Other names: short protein forms P648fs.
Identifiers: ClinVar variation 2030483 (VCV002030483.4), dbSNP rs989816029, ClinGen allele CA645593172.

ClinVar aggregate classification (germline): Pathogenic (1 of 4 stars; one submission).

Submission:

Labcorp Genetics (formerly Invitae), Labcorp
Classification: Pathogenic. Last evaluated: 2025-12-08. Review status: criteria provided, single submitter. Criteria: Invitae Variant Classification Sherloc (09022015). Collection method: clinical testing. Allele origin: germline.
Comment: This sequence change creates a premature translational stop signal (p.Pro648Leufs*154) in the COL4A1 gene. It is expected to result in an absent or disrupted protein product. Loss-of-function variants in COL4A1 are known to be pathogenic (PMID: 23225343). This variant is not present in population databases (gnomAD no frequency). This variant has not been reported in the literature in individuals affected with COL4A1-related conditions. ClinVar contains an entry for this variant (Variation ID: 2030483). For these reasons, this variant has been classified as Pathogenic.

Literature cited by the submitters: PubMed 23225343.